The following is an entry in ClinVar:

ClinVar aggregate classification (germline): Uncertain significance (0 of 4 stars; one submission).

Conditions:
ARSF-related disorder. Also called: ARSF-related condition.

Submission:

PreventionGenetics, part of Exact Sciences
Classification: Uncertain significance for ARSF-related condition. Last evaluated: 2024-08-01. Review status: no assertion criteria provided. Collection method: clinical testing. Allele origin: germline.
Comment: The ARSF c.338G>C variant is predicted to result in the amino acid substitution p.Gly113Ala. To our knowledge, this variant has not been reported in the literature or in a large population database, indicating this variant is rare. At this time, the clinical significance of this variant is uncertain due to the absence of conclusive functional and genetic evidence.

NM_001201539.2(ARSF):c.338G>C (p.Gly113Ala)

Gene: ARSF (arylsulfatase F; plus strand). Cytogenetic location: Xp22.33.
Variant type: single nucleotide variant.
Coding change: c.338G>C on transcript NM_001201539.2 (MANE Select); coding-DNA position 338, G replaced by C.
Protein change: p.Gly113Ala; replaces glycine 113 with alanine.
Molecular consequence: missense variant.
Genome position (GRCh38, 1-based): chrX:3,080,945, G>C. VCF-style: chrX-3080945-G-C. GRCh37 (hg19) VCF-style: chrX-2998986-G-C.
Other names: c.338G>C, p.Gly113Ala (NM_001201538.2, NM_004042.5); short protein forms G113A.
Identifiers: ClinVar variation 3345331 (VCV003345331.1).